The following is an entry in ClinVar:

NM_002474.3(MYH11):c.4245T>G (p.Tyr1415Ter)

Genes: NDE1 (nudE neurodevelopment protein 1; plus strand), MYH11 (myosin heavy chain 11; minus strand). Cytogenetic location: 16p13.11.
Variant type: single nucleotide variant.
Coding change: c.4245T>G on transcript NM_002474.3 (MANE Select); coding-DNA position 4245, T replaced by G.
Protein change: p.Tyr1415Ter; replaces tyrosine 1415 with a stop codon.
Molecular consequence: nonsense. On other transcripts: 3 prime UTR variant (2).
Genome position (GRCh38, 1-based): chr16:15,724,281, A>C on the plus strand (T>G on the coding strand, the complement: MYH11 is on the minus strand). VCF-style: chr16-15724281-A-C. GRCh37 (hg19) VCF-style: chr16-15818138-A-C.
Other names: c.4266T>G, p.Tyr1422Ter (NM_001040113.2, NM_001040114.2); c.4245T>G, p.Tyr1415Ter (NM_022844.3); c.*30A>C (NM_001143979.2, NM_017668.3); short protein forms Y1422*, Y1415*.
Identifiers: ClinVar variation 3663702 (VCV003663702.2).

ClinVar aggregate classification (germline): Pathogenic (1 of 4 stars; one submission).

Conditions:
Aortic aneurysm, familial thoracic 4 (AAT4). Also called: AORTIC ANEURYSM/AORTIC DISSECTION AND PATENT DUCTUS ARTERIOSUS. Identifiers: MedGen C1851504, MONDO:0007568, OMIM 132900.

Submission:

Labcorp Genetics (formerly Invitae), Labcorp
Classification: Pathogenic for Aortic aneurysm, familial thoracic 4. Last evaluated: 2024-08-28. Review status: criteria provided, single submitter. Criteria: Invitae Variant Classification Sherloc (09022015). Collection method: clinical testing. Allele origin: germline.
Comment: This sequence change creates a premature translational stop signal (p.Tyr1422*) in the MYH11 gene. It is expected to result in an absent or disrupted protein product. Loss-of-function variants in MYH11 are known to be pathogenic (PMID: 25407000, 29575632). This variant is not present in population databases (gnomAD no frequency). This variant has not been reported in the literature in individuals affected with MYH11-related conditions. For these reasons, this variant has been classified as Pathogenic.

Literature cited by the submitters: PubMed 25407000; PubMed 29575632.